The following is an entry in ClinVar:

ClinVar aggregate classification (germline): Uncertain significance (1 of 4 stars; one submission).

Submission:

Labcorp Genetics (formerly Invitae), Labcorp
Classification: Uncertain significance. Last evaluated: 2024-08-13. Review status: criteria provided, single submitter. Criteria: Invitae Variant Classification Sherloc (09022015). Collection method: clinical testing. Allele origin: germline.
Comment: This sequence change replaces glycine, which is neutral and non-polar, with cysteine, which is neutral and slightly polar, at codon 198 of the POLE protein (p.Gly198Cys). This variant is not present in population databases (gnomAD no frequency). This variant has not been reported in the literature in individuals affected with POLE-related conditions. An algorithm developed to predict the effect of missense changes on protein structure and function (PolyPhen-2) suggests that this variant is likely to be disruptive. In summary, the available evidence is currently insufficient to determine the role of this variant in disease. Therefore, it has been classified as a Variant of Uncertain Significance.

NM_006231.4(POLE):c.592G>T (p.Gly198Cys)

Gene: POLE (DNA polymerase epsilon, catalytic subunit; minus strand). Cytogenetic location: 12q24.33.
Variant type: single nucleotide variant.
Coding change: c.592G>T on transcript NM_006231.4 (MANE Select); coding-DNA position 592, G replaced by T.
Protein change: p.Gly198Cys; replaces glycine 198 with cysteine.
Molecular consequence: missense variant.
Genome position (GRCh38, 1-based): chr12:132,677,706, C>A on the plus strand (G>T on the coding strand, the complement: POLE is on the minus strand). VCF-style: chr12-132677706-C-A. GRCh37 (hg19) VCF-style: chr12-133254292-C-A.
Other names: short protein forms G198C.
Identifiers: ClinVar variation 3662211 (VCV003662211.2).
Genomic context (GRCh38, chr12:132,677,706, plus strand): 5'-TGTTGTCCAACTGGTCAGCTATCTTCTTAGAGGTTTCCTCTTCATCAGTAATGACACCGC[C>A]CCTCTGCAGAACACTAGGAATTAACAAGAGAGCAACTAACTCAGCTGCCAGGGTCTGGAG-3'
Protein context (NP_006222.2, residues 188-208): TALLSSVLQR[Gly198Cys]GVITDEEETS